The following is an entry in ClinVar:

ClinVar aggregate classification (germline): Uncertain significance. Review status: criteria provided, multiple submitters, no conflicts (2 of 4 stars). 3 submissions from 3 submitters: Uncertain significance (3). Last evaluated 2022-08-19.

Conditions:
CHARGE syndrome (CHARGE). Also called: Hittner Hirsch Kreh syndrome; CHARGE ASSOCIATION--COLOBOMA, HEART ANOMALY, CHOANAL ATRESIA, RETARDATION, GENITAL AND EAR ANOMALIES; Coloboma, heart anomaly, choanal atresia, retardation, genital and ear anomalies; CHARGE association; Hall-Hittner syndrome. Identifiers: Orphanet 138, MedGen C0265354, MONDO:0008965.
Hypogonadotropic hypogonadism 5 with or without anosmia (KAL5). Also called: HYPOGONADOTROPIC HYPOGONADISM 5 WITH ANOSMIA; HYPOGONADOTROPHIC HYPOGONADISM 5 WITHOUT ANOSMIA; CHD7-Related GnRH Deficiency (Kallmann Syndrome 5). Identifiers: Orphanet 478, MedGen C3552553, MONDO:0012880, OMIM 612370. Disease mechanism: loss of function.

Submissions (3):

GeneDx
Classification: Uncertain significance. Last evaluated: 2022-08-19. Review status: criteria provided, single submitter. Criteria: GeneDx Variant Classification Process June 2021. Collection method: clinical testing. Allele origin: germline. Affected: yes.
Comment: Not observed at significant frequency in large population cohorts (gnomAD); In silico analysis supports that this missense variant does not alter protein structure/function; Has not been previously published as pathogenic or benign to our knowledge

Fulgent Genetics
Classification: Uncertain significance for CHD7-related CHARGE syndrome; Hypogonadotropic hypogonadism 5 with or without anosmia. Last evaluated: 2021-07-07. Review status: criteria provided, single submitter. Criteria: ACMG Guidelines, 2015. Collection method: clinical testing. Allele origin: unknown.

Labcorp Genetics (formerly Invitae), Labcorp
Classification: Uncertain significance for CHARGE syndrome. Last evaluated: 2020-07-23. Review status: criteria provided, single submitter. Criteria: Invitae Variant Classification Sherloc (09022015). Collection method: clinical testing. Allele origin: germline.
Comment: In summary, the available evidence is currently insufficient to determine the role of this variant in disease. Therefore, it has been classified as a Variant of Uncertain Significance. Advanced modeling of protein sequence and biophysical properties (such as structural, functional, and spatial information, amino acid conservation, physicochemical variation, residue mobility, and thermodynamic stability) performed at Invitae indicates that this missense variant is not expected to disrupt CHD7 protein function. This variant has not been reported in the literature in individuals with CHD7-related conditions. This variant is not present in population databases (ExAC no frequency). This sequence change replaces glutamine with arginine at codon 171 of the CHD7 protein (p.Gln171Arg). The glutamine residue is highly conserved and there is a small physicochemical difference between glutamine and arginine.

NM_017780.4(CHD7):c.512A>G (p.Gln171Arg)

Gene: CHD7 (chromodomain helicase DNA binding protein 7; plus strand). Cytogenetic location: 8q12.2.
Variant type: single nucleotide variant.
Coding change: c.512A>G on transcript NM_017780.4 (MANE Select); coding-DNA position 512, A replaced by G.
Protein change: p.Gln171Arg; replaces glutamine 171 with arginine.
Molecular consequence: missense variant.
Genome position (GRCh38, 1-based): chr8:60,741,944, A>G. VCF-style: chr8-60741944-A-G. GRCh37 (hg19) VCF-style: chr8-61654503-A-G.
Other names: c.512A>G, p.Gln171Arg (NM_001316690.1); c.512A>G (NM_017780.2); short protein forms Q171R.
Identifiers: ClinVar variation 1054247 (VCV001054247.10), dbSNP rs2150578491, ClinGen allele CA371297739.